The following is an entry in ClinVar:

ClinVar aggregate classification (germline): Benign. Review status: criteria provided, multiple submitters, no conflicts (2 of 4 stars). 20 submissions from 20 submitters: Benign (11). 9 of the submissions do not count toward it. Last evaluated 2026-02-04.

Conditions:
APC-Associated Polyposis Disorders.
Hereditary cancer-predisposing syndrome. Also called: Tumor predisposition; Neoplastic Syndromes, Hereditary; Hereditary neoplastic syndrome; Hereditary Cancer Syndrome. Identifiers: Orphanet 140162, MedGen C0027672, MeSH D009386, MONDO:0015356.
Familial adenomatous polyposis 1 (FAP1). Also called: FAMILIAL ADENOMATOUS POLYPOSIS 1, ATTENUATED; POLYPOSIS, ADENOMATOUS INTESTINAL. Identifiers: MedGen C2713442, MONDO:0021056, OMIM 175100. Disease mechanism: loss of function.
Familial colorectal cancer. Identifiers: MedGen CN280943, MONDO:0023113. Disease mechanism: loss of function.
Carcinoma of colon (CRC). Also called: Colonic carcinoma; Colon carcinoma. Identifiers: MedGen C0699790, MONDO:0002032.

Allele frequency attached by ClinVar (database versions not stated): ESP Exome Variant Server 0.59013; gnomAD 0.59504 and 0.60453; TOPMed 0.61308; gnomAD exomes 0.63198 and 0.65241; ExAC 0.65140; 1000 Genomes Project 30x 0.66177; 1000 Genomes Project 0.66673.
gnomAD v4.1: 1,015,792 of 1,613,474 alleles (63%); highest among the groups gnomAD compares: East Asian, 84%; 322,713 homozygotes.

Submissions (20):

Labcorp Genetics (formerly Invitae), Labcorp
Classification: Benign for Familial adenomatous polyposis 1. Last evaluated: 2026-02-04. Review status: criteria provided, single submitter. Criteria: Invitae Variant Classification Sherloc (09022015). Collection method: clinical testing. Allele origin: germline.

ARUP Laboratories, Molecular Genetics and Genomics, ARUP Laboratories
Classification: Benign. Last evaluated: 2025-07-30. Review status: criteria provided, single submitter. Criteria: ARUP Molecular Germline Variant Investigation Process 2024. Collection method: clinical testing. Allele origin: germline.

GeneKor MSA
Classification: Benign for Hereditary cancer-predisposing syndrome. Last evaluated: 2025-07-10. Review status: criteria provided, single submitter. Criteria: ACMG Guidelines, 2015. Collection method: clinical testing. Allele origin: germline.

Blueprint Genetics
Classification: Benign. Last evaluated: 2024-11-26. Review status: criteria provided, single submitter. Criteria: ACMG Guidelines, 2015. Collection method: clinical testing. Allele origin: germline.

KCCC/NGS Laboratory, Kuwait Cancer Control Center
Classification: Benign for Familial adenomatous polyposis 1. Last evaluated: 2023-07-07. Review status: criteria provided, single submitter. Criteria: ACMG Guidelines, 2015. Collection method: clinical testing. Allele origin: germline. Affected: yes.

Illumina Laboratory Services, Illumina
Classification: Benign for APC-Associated Polyposis Disorders. Last evaluated: 2018-01-13. Review status: criteria provided, single submitter. Criteria: ICSL Variant Classification Criteria 13 December 2019. Collection method: clinical testing. Allele origin: germline.
Comment: This variant was observed in the ICSL laboratory as part of a predisposition screen in an ostensibly healthy population. It had not been previously curated by ICSL or reported in the Human Gene Mutation Database (HGMD: prior to June 1st, 2018), and was therefore a candidate for classification through an automated scoring system. Utilizing variant allele frequency, disease prevalence and penetrance estimates, and inheritance mode, an automated score was calculated to assess if this variant is too frequent to cause the disease. Based on the score and internal cut-off values, a variant classified as benign is not then subjected to further curation. The score for this variant resulted in a classification of benign for this disease.

Color Diagnostics, LLC DBA Color Health
Classification: Benign for Hereditary cancer-predisposing syndrome. Last evaluated: 2016-03-18. Review status: criteria provided, single submitter. Criteria: ACMG Guidelines, 2015. Collection method: clinical testing. Allele origin: germline.

Eurofins Ntd Llc (ga)
Classification: Benign. Last evaluated: 2016-03-16. Review status: criteria provided, single submitter. Criteria: EGL Classification Definitions 2015. Collection method: clinical testing. Allele origin: germline. Observed: 64 variant alleles, 38 heterozygotes, 26 homozygotes.

GeneDx
Classification: Benign. Last evaluated: 2015-03-03. Review status: criteria provided, single submitter. Criteria: GeneDx Variant Classification (06012015). Collection method: clinical testing. Allele origin: germline. Affected: yes.

Ambry Genetics
Classification: Benign for Hereditary cancer-predisposing syndrome. Last evaluated: 2014-10-21. Review status: criteria provided, single submitter. Criteria: Ambry Variant Classification Scheme 2023. Collection method: clinical testing. Allele origin: germline.

PreventionGenetics, part of Exact Sciences
Classification: Benign. Review status: criteria provided, single submitter. Criteria: ACMG Guidelines, 2015. Collection method: clinical testing. Allele origin: germline.

Institute for Biomarker Research, Medical Diagnostic Laboratories, L.L.C.
Classification: Benign for Hereditary cancer-predisposing syndrome. Last evaluated: 2021-12-21. Review status: no assertion criteria provided. Collection method: clinical testing. Allele origin: germline. Not counted in ClinVar's aggregate classification.

Laboratory for Molecular Medicine, Mass General Brigham Personalized Medicine
Classification: Benign. Last evaluated: 2008-03-01. Review status: no assertion criteria provided. Collection method: clinical testing. Allele origin: germline. Observed: 27 variant alleles. Not counted in ClinVar's aggregate classification.

Clinical Genetics DNA and cytogenetics Diagnostics Lab, Erasmus MC, Erasmus Medical Center
Classification: Benign. Review status: no assertion criteria provided. Collection method: clinical testing. Allele origin: germline. Affected: yes. Study: VKGL Data-share Consensus. Not counted in ClinVar's aggregate classification.

Clinical Genetics, Academic Medical Center
Classification: Benign. Review status: no assertion criteria provided. Collection method: clinical testing. Allele origin: germline. Affected: yes. Study: VKGL Data-share Consensus. Not counted in ClinVar's aggregate classification.

Department of Pathology and Laboratory Medicine, Sinai Health System
Classification: Benign for Carcinoma of colon. Review status: no assertion criteria provided. Collection method: clinical testing. Allele origin: unknown. Affected: yes. Study: The Canadian Open Genetics Repository (COGR). Not counted in ClinVar's aggregate classification.
Comment: The c.5034G>A, p.Gly1678Gly silent variant, located in exon 14 of APC, is not expected to have clinical significance because it does not alter an amino acid residue, is not located near a splice junction, is listed in dbSNP (rs_id: rs42427) as a common polymorphism. Based on the above information, this is a benign variant.

Diagnostic Laboratory, Department of Genetics, University Medical Center Groningen
Classification: Benign. Review status: no assertion criteria provided. Collection method: clinical testing. Allele origin: germline. Affected: yes. Study: VKGL Data-share Consensus. Not counted in ClinVar's aggregate classification.

Joint Genome Diagnostic Labs from Nijmegen and Maastricht, Radboudumc and MUMC+
Classification: Benign. Review status: no assertion criteria provided. Collection method: clinical testing. Allele origin: germline. Affected: yes. Study: VKGL Data-share Consensus. Not counted in ClinVar's aggregate classification.

Mayo Clinic Laboratories, Mayo Clinic
Classification: Benign. Review status: no assertion criteria provided. Collection method: clinical testing. Allele origin: unknown. Not counted in ClinVar's aggregate classification.

Systems Biology Platform Zhejiang California International NanoSystems Institute
Classification: other for Familial colorectal cancer. Review status: no assertion criteria provided. Collection method: not provided. Allele origin: unknown. Not counted in ClinVar's aggregate classification.
ClinVar note: Converted during submission from cancer to other.

NM_000038.6(APC):c.5034G>A (p.Gly1678=)

Gene: APC (APC regulator of Wnt signaling pathway; plus strand). Cytogenetic location: 5q22.2.
Variant type: single nucleotide variant.
Coding change: c.5034G>A on transcript NM_000038.6 (MANE Select); coding-DNA position 5034, G replaced by A.
Protein change: p.Gly1678=; no amino-acid change (glycine 1678 retained).
Molecular consequence: synonymous variant.
Genome position (GRCh38, 1-based): chr5:112,840,628, G>A. VCF-style: chr5-112840628-G-A. GRCh37 (hg19) VCF-style: chr5-112176325-G-A.
Other names: c.5034G>A, p.Gly1678= (NM_001127510.3, NM_001354895.2); c.4980G>A, p.Gly1660= (NM_001127511.3); c.5088G>A, p.Gly1696= (NM_001354896.2); c.5064G>A, p.Gly1688= (NM_001354897.2); c.4959G>A, p.Gly1653= (NM_001354898.2); c.4950G>A, p.Gly1650= (NM_001354899.2); c.4911G>A, p.Gly1637= (NM_001354900.2); c.4857G>A, p.Gly1619= (NM_001354901.2); and 5 more.
Identifiers: ClinVar variation 42243 (VCV000042243.55), dbSNP rs42427, ClinGen allele CA009852.